The following is an entry in ClinVar:

ClinVar aggregate classification (germline): Uncertain significance. Review status: criteria provided, multiple submitters, no conflicts (2 of 4 stars). 2 submissions from 2 submitters: Uncertain significance (2). Last evaluated 2025-06-03.

Allele frequency attached by ClinVar (database versions not stated): gnomAD 0.00002 and 0.00003; gnomAD exomes 0.00004 and 0.00005; TOPMed 0.00004; ExAC 0.00009.
gnomAD v4.1: 75 of 1,611,902 alleles (0.0047%); highest among the groups gnomAD compares: Admixed American, 0.0067%; no homozygotes.

Submissions (2):

Ambry Genetics
Classification: Uncertain significance. Last evaluated: 2025-06-03. Review status: criteria provided, single submitter. Criteria: Ambry Variant Classification Scheme 2023. Collection method: clinical testing. Allele origin: germline.

Labcorp Genetics (formerly Invitae), Labcorp
Classification: Uncertain significance. Last evaluated: 2025-02-10. Review status: criteria provided, single submitter. Criteria: Invitae Variant Classification Sherloc (09022015). Collection method: clinical testing. Allele origin: germline.
Comment: This sequence change replaces valine, which is neutral and non-polar, with methionine, which is neutral and non-polar, at codon 1414 of the ATRN protein (p.Val1414Met). This variant is present in population databases (rs771603225, gnomAD 0.008%). This variant has not been reported in the literature in individuals affected with ATRN-related conditions. ClinVar contains an entry for this variant (Variation ID: 1408680). An algorithm developed to predict the effect of missense changes on protein structure and function outputs the following: PolyPhen-2: "Benign". The methionine amino acid residue is found in multiple mammalian species, which suggests that this missense change does not adversely affect protein function. In summary, the available evidence is currently insufficient to determine the role of this variant in disease. Therefore, it has been classified as a Variant of Uncertain Significance.

NM_139321.3(ATRN):c.4240G>A (p.Val1414Met)

Gene: ATRN (attractin; plus strand). Cytogenetic location: 20p13.
Variant type: single nucleotide variant.
Coding change: c.4240G>A on transcript NM_139321.3 (MANE Select); coding-DNA position 4240, G replaced by A.
Protein change: p.Val1414Met; replaces valine 1414 with methionine.
Molecular consequence: missense variant.
Genome position (GRCh38, 1-based): chr20:3,646,797, G>A. VCF-style: chr20-3646797-G-A. GRCh37 (hg19) VCF-style: chr20-3627444-G-A.
Other names: c.4240G>A (NM_139321.2); short protein forms V1414M.
Identifiers: ClinVar variation 1408680 (VCV001408680.9), dbSNP rs771603225, ClinGen allele CA9744778.